The following is an entry in ClinVar:

ClinVar aggregate classification (germline): Uncertain significance (1 of 4 stars; one submission).

Submission:

Labcorp Genetics (formerly Invitae), Labcorp
Classification: Uncertain significance. Last evaluated: 2024-09-01. Review status: criteria provided, single submitter. Criteria: Invitae Variant Classification Sherloc (09022015). Collection method: clinical testing. Allele origin: germline.
Comment: This sequence change replaces histidine, which is basic and polar, with tyrosine, which is neutral and polar, at codon 163 of the TNFRSF11B protein (p.His163Tyr). This variant is not present in population databases (gnomAD no frequency). This variant has not been reported in the literature in individuals affected with TNFRSF11B-related conditions. Invitae Evidence Modeling of protein sequence and biophysical properties (such as structural, functional, and spatial information, amino acid conservation, physicochemical variation, residue mobility, and thermodynamic stability) has been performed for this missense variant. However, the output from this modeling did not meet the statistical confidence thresholds required to predict the impact of this variant on TNFRSF11B protein function. In summary, the available evidence is currently insufficient to determine the role of this variant in disease. Therefore, it has been classified as a Variant of Uncertain Significance.

NM_002546.4(TNFRSF11B):c.487C>T (p.His163Tyr)

Gene: TNFRSF11B (TNF receptor superfamily member 11b; minus strand). Cytogenetic location: 8q24.12.
Variant type: single nucleotide variant.
Coding change: c.487C>T on transcript NM_002546.4 (MANE Select); coding-DNA position 487, C replaced by T.
Protein change: p.His163Tyr; replaces histidine 163 with tyrosine.
Molecular consequence: missense variant.
Genome position (GRCh38, 1-based): chr8:118,928,843, G>A on the plus strand (C>T on the coding strand, the complement: TNFRSF11B is on the minus strand). VCF-style: chr8-118928843-G-A. GRCh37 (hg19) VCF-style: chr8-119941082-G-A.
Other names: short protein forms H163Y.
Identifiers: ClinVar variation 3664210 (VCV003664210.2).